The following is an entry in ClinVar:

NM_014332.3(SMPX):c.196C>A (p.Pro66Thr)

Gene: SMPX (small muscle protein X-linked; minus strand). Cytogenetic location: Xp22.12.
Variant type: single nucleotide variant.
Coding change: c.196C>A on transcript NM_014332.3 (MANE Select); coding-DNA position 196, C replaced by A.
Protein change: p.Pro66Thr; replaces proline 66 with threonine.
Molecular consequence: missense variant. On other transcripts: non-coding transcript variant (1).
Genome position (GRCh38, 1-based): chrX:21,737,634, G>T on the plus strand (C>A on the coding strand, the complement: SMPX is on the minus strand). VCF-style: chrX-21737634-G-T. GRCh37 (hg19) VCF-style: chrX-21755752-G-T.
Other names: short protein forms P66T.
Identifiers: ClinVar variation 4076673 (VCV004076673.1).

ClinVar aggregate classification (germline): Uncertain significance (1 of 4 stars; one submission).

gnomAD v4.1: 1 of 1,205,672 alleles (0.000083%); highest among the groups gnomAD compares: Non-Finnish European, 0.00011%; no homozygotes.

Submission:

GeneDx
Classification: Uncertain significance. Last evaluated: 2025-02-22. Review status: criteria provided, single submitter. Criteria: GeneDx Variant Classification Process June 2021. Collection method: clinical testing. Allele origin: germline. Affected: yes.
Comment: Not observed at significant frequency in large population cohorts (gnomAD); In silico analysis supports that this missense variant has a deleterious effect on protein structure/function; Has not been previously published as pathogenic or benign to our knowledge